The following is an entry in ClinVar:

NM_201384.3(PLEC):c.3757-9_3757-6delinsCATCG

Gene: PLEC (plectin; minus strand). Cytogenetic location: 8q24.3.
Variant type: Indel.
Coding change: c.3757-9_3757-6delinsCATCG on transcript NM_201384.3 (MANE Select); 9 bases into the intron before coding-DNA position 3757 through 6 bases into the intron before coding-DNA position 3757, ATCA replaced by CATCG.
Molecular consequence: intron variant.
Genome position (GRCh38, 1-based): chr8:143,927,341-143,927,344, TGAT replaced by CGATG on the plus strand (ATCA replaced by CATCG on the coding strand, the reverse complement: PLEC is on the minus strand). VCF-style: chr8-143927341-TGAT-CGATG. GRCh37 (hg19) VCF-style: chr8-145001509-TGAT-CGATG.
Other names: c.3838-9_3838-6delinsCATCG (NM_000445.5); c.3715-9_3715-6delinsCATCG (NM_201378.4); c.3691-9_3691-6delinsCATCG (NM_201379.3); c.4168-9_4168-6delinsCATCG (NM_201380.4); c.3661-9_3661-6delinsCATCG (NM_201381.3); c.3757-9_3757-6delinsCATCG (NM_201382.4); c.3769-9_3769-6delinsCATCG (NM_201383.3).
Identifiers: ClinVar variation 420506 (VCV000420506.1), dbSNP rs1064794525, ClinGen allele CA16618607.

ClinVar aggregate classification (germline): Likely benign (1 of 4 stars; one submission).

Submission:

GeneDx
Classification: Likely benign. Last evaluated: 2016-04-14. Review status: criteria provided, single submitter. Criteria: GeneDx Variant Classification (06012015). Collection method: clinical testing. Allele origin: germline. Affected: yes.
Comment: This variant is considered likely benign or benign based on one or more of the following criteria: it is a conservative change, it occurs at a poorly conserved position in the protein, it is predicted to be benign by multiple in silico algorithms, and/or has population frequency not consistent with disease.